The following is an entry in ClinVar:

NM_001008537.3(NEXMIF):c.238C>A (p.Pro80Thr)

Gene: NEXMIF (neurite extension and migration factor; minus strand). Cytogenetic location: Xq13.3.
Variant type: single nucleotide variant.
Coding change: c.238C>A on transcript NM_001008537.3 (MANE Select); coding-DNA position 238, C replaced by A.
Protein change: p.Pro80Thr; replaces proline 80 with threonine.
Molecular consequence: missense variant.
Genome position (GRCh38, 1-based): chrX:74,744,319, G>T on the plus strand (C>A on the coding strand, the complement: NEXMIF is on the minus strand). VCF-style: chrX-74744319-G-T. GRCh37 (hg19) VCF-style: chrX-73964154-G-T.
Other names: short protein forms P80T.
Identifiers: ClinVar variation 3765737 (VCV003765737.1).
Genomic context (GRCh38, chrX:74,744,319, plus strand): 5'-AGATGGCATTCACAGAAGCACTATTAGCAGCATGTTCGGGTGCTTCAATCAGGCCCAAAG[G>T]AGAGGGCGGGCTCTGCATACAGGGCTTCTTAGAGGGTAGAGGCAGGAGACCTCTGGGATA-3'
Protein context (NP_001008537.1, residues 70-90): KKPCMQSPPS[Pro80Thr]LGLIEAPEHA

ClinVar aggregate classification (germline): Uncertain significance (1 of 4 stars; one submission).

Submission:

Greenwood Genetic Center Diagnostic Laboratories, Greenwood Genetic Center
Classification: Uncertain significance. Last evaluated: 2024-10-29. Review status: criteria provided, single submitter. Criteria: ACMG Guidelines, 2015. Collection method: clinical testing. Allele origin: germline. Affected: yes.
Comment: PM2, BP4